The following is an entry in ClinVar:

ClinVar aggregate classification (germline): Uncertain significance (1 of 4 stars; one submission).

Conditions:
Familial cold autoinflammatory syndrome 2 (FCAS2). Identifiers: Orphanet 247868, MedGen C2673198, MONDO:0012724, OMIM 611762.

Submission:

Labcorp Genetics (formerly Invitae), Labcorp
Classification: Uncertain significance for Familial cold autoinflammatory syndrome 2. Last evaluated: 2025-11-04. Review status: criteria provided, single submitter. Criteria: Invitae Variant Classification Sherloc (09022015). Collection method: clinical testing. Allele origin: germline.
Comment: This sequence change replaces alanine, which is neutral and non-polar, with serine, which is neutral and polar, at codon 35 of the NLRP12 protein (p.Ala35Ser). This variant is not present in population databases (gnomAD no frequency). This variant has not been reported in the literature in individuals affected with NLRP12-related conditions. Invitae Evidence Modeling of protein sequence and biophysical properties (such as structural, functional, and spatial information, amino acid conservation, physicochemical variation, residue mobility, and thermodynamic stability) indicates that this missense variant is not expected to disrupt NLRP12 protein function with a negative predictive value of 80%. In summary, the available evidence is currently insufficient to determine the role of this variant in disease. Therefore, it has been classified as a Variant of Uncertain Significance.

NM_144687.4(NLRP12):c.103G>T (p.Ala35Ser)

Gene: NLRP12 (NLR family pyrin domain containing 12; minus strand). Cytogenetic location: 19q13.42.
Variant type: single nucleotide variant.
Coding change: c.103G>T on transcript NM_144687.4 (MANE Select); coding-DNA position 103, G replaced by T.
Protein change: p.Ala35Ser; replaces alanine 35 with serine.
Molecular consequence: missense variant.
Genome position (GRCh38, 1-based): chr19:53,824,072, C>A on the plus strand (G>T on the coding strand, the complement: NLRP12 is on the minus strand). VCF-style: chr19-53824072-C-A. GRCh37 (hg19) VCF-style: chr19-54327326-C-A.
Other names: c.103G>T, p.Ala35Ser (NM_001277126.2, NM_001277129.1); short protein forms A35S.
Identifiers: ClinVar variation 4803901 (VCV004803901.1).